The following is an entry in ClinVar:

NM_002626.6(PFKL):c.1233G>T (p.Ala411=)

Gene: PFKL (phosphofructokinase, liver type; plus strand). Cytogenetic location: 21q22.3.
Variant type: single nucleotide variant.
Coding change: c.1233G>T on transcript NM_002626.6 (MANE Select); coding-DNA position 1233, G replaced by T.
Protein change: p.Ala411=; no amino-acid change (alanine 411 retained).
Molecular consequence: synonymous variant.
Genome position (GRCh38, 1-based): chr21:44,321,770, G>T. VCF-style: chr21-44321770-G-T. GRCh37 (hg19) VCF-style: chr21-45741653-G-T.
Other names: c.1383G>T, p.Ala461= (NM_001002021.3).
Identifiers: ClinVar variation 4979697 (VCV004979697.1).

ClinVar aggregate classification (germline): Likely benign (1 of 4 stars; one submission).

Conditions:
PFKL-related disorder. Also called: PFKL-related condition.

gnomAD v4.1: 348 of 1,596,672 alleles (0.022%); highest among the groups gnomAD compares: East Asian, 0.69%; 2 homozygotes.

Submission:

PreventionGenetics, part of Exact Sciences
Classification: Likely benign for PFKL-related condition. Last evaluated: 2024-11-15. Review status: criteria provided, single submitter. Criteria: ACMG Guidelines, 2015. Collection method: clinical testing. Allele origin: germline.
Comment: This variant is classified as likely benign based on ACMG/AMP sequence variant interpretation guidelines (Richards et al. 2015 PMID: 25741868, with internal and published modifications).